The following is an entry in ClinVar:

NM_001099856.6(IKBKG):c.105_106del (p.Ile36fs)

Genes: G6PD (glucose-6-phosphate dehydrogenase; minus strand), IKBKG (inhibitor of nuclear factor kappa B kinase regulatory subunit gamma; plus strand), LOC108281126 (G6PD and IKBKG intron CAGE-defined low expression enhancer; plus strand). Cytogenetic location: Xq28.
Variant type: Deletion.
Coding change: c.105_106del on transcript NM_001099856.6; coding-DNA positions 105 to 106, 2 bases deleted (CA; older notation c.105_106delCA).
Protein change: p.Ile36fs; shifts the reading frame from isoleucine 36.
Molecular consequence: frameshift variant. On other transcripts: 5 prime UTR variant (1), intron variant (5).
Genome position (GRCh38, 1-based): chrX:154,542,368-154,542,369, CA deleted. VCF-style (leftmost placement, unchanged base first): chrX-154542367-GCA-G. GRCh37 (hg19) VCF-style: chrX-153770582-GCA-G.
Other names: c.-35_-34del (NM_001321396.3); c.210+3667_210+3668del (NM_000402.4); c.120+3667_120+3668del (NM_001042351.3, NM_001360016.2); c.-16+977_-16+978del (NM_001377312.1, NM_001377313.1); short protein forms I36fs.
Identifiers: ClinVar variation 2238562 (VCV002238562.2), dbSNP rs782679667, ClinGen allele CA10566344.
Genomic context (GRCh38, chrX:154,542,367, plus strand): 5'-TGAGGACCCCGCAGACTATCAATCCCAGTCTCTTCCCCTCACTCCCTGTGAAGCTCTCCA[GCA>G]TCATCGAGGTCCCATCAGGTGGGGAAAGATGCTGTTCCAGGCGCACACTAGTCTACAAGG-3'

ClinVar aggregate classification (germline): Uncertain significance (1 of 4 stars; one submission).

Conditions:
Inborn genetic diseases. Identifiers: MedGen C0950123, MeSH D030342.

Allele frequency attached by ClinVar (database versions not stated): ExAC 0.00004; gnomAD exomes 0.00001.

Submission:

Ambry Genetics
Classification: Uncertain significance for Inborn genetic diseases. Last evaluated: 2021-08-31. Review status: criteria provided, single submitter. Criteria: Ambry Variant Classification Scheme 2023. Collection method: clinical testing. Allele origin: germline.
Comment: Exon absent from clinically relevant and highly expressed transcripts Based on insufficient or conflicting evidence, the clinical significance of this alteration remains unclear.